The following is an entry in ClinVar:

NM_002473.6(MYH9):c.3195_3215del (p.Gln1068_Leu1074del)

Gene: MYH9 (myosin heavy chain 9; minus strand). Cytogenetic location: 22q12.3.
Variant type: Deletion.
Coding change: c.3195_3215del on transcript NM_002473.6 (MANE Select); coding-DNA positions 3195 to 3215, 21 bases deleted (CGAGCTCCAGGCCCAGATCGC).
Protein change: p.Gln1068_Leu1074del.
Molecular consequence: inframe deletion.
Genome position (GRCh38, 1-based): chr22:36,296,900-36,296,920, GCGATCTGGGCCTGGAGCTCG deleted on the plus strand (CGAGCTCCAGGCCCAGATCGC on the coding strand, the reverse complement: MYH9 is on the minus strand); deleting any 21 consecutive bases within chr22:36,296,900-36,296,929 gives the same sequence; the c. name uses the placement nearest the transcript's 3' end. VCF-style (leftmost placement, unchanged base first): chr22-36296899-CGCGATCTGGGCCTGGAGCTCG-C. GRCh37 (hg19) VCF-style: chr22-36692945-CGCGATCTGGGCCTGGAGCTCG-C.
Identifiers: ClinVar variation 14084 (VCV000014084.3), dbSNP rs876661302, ClinGen allele CA10575521.

ClinVar aggregate classification (germline): Likely pathogenic. Review status: criteria provided, single submitter (1 of 4 stars). 2 submissions from 2 submitters: Likely pathogenic (1). 1 of the submissions does not count toward it. Last evaluated 2024-11-19.

Conditions:
Macrothrombocytopenia and granulocyte inclusions with or without nephritis or sensorineural hearing loss (MATINS). Also called: BLEEDING DISORDER, PLATELET-TYPE, 6; MAY-HEGGLIN ANOMALY; SEBASTIAN PLATELET SYNDROME; MACROTHROMBOCYTOPENIA WITH DISPERSED LEUKOCYTIC INCLUSIONS; MACROTHROMBOCYTOPENIA, NEPHRITIS, AND DEAFNESS; MACROTHROMBOCYTOPENIA, NEPHRITIS, DEAFNESS, AND LEUKOCYTE INCLUSIONS. Identifiers: Orphanet 182050, MedGen C5200934, MONDO:0015912, OMIM 155100.

Submissions (2):

3billion
Classification: Likely pathogenic for Macrothrombocytopenia and granulocyte inclusions with or without nephritis or sensorineural hearing loss. Last evaluated: 2024-11-19. Review status: criteria provided, single submitter. Criteria: ACMG Guidelines, 2015. Collection method: clinical testing. Allele origin: germline. Affected: yes.
Comment: The variant is not observed in the gnomAD v4.1.0 dataset. Predicted Consequence/Location: The variant is located in a mutational hot spot and/or well-established functional domain in which established pathogenic variants have been reported (PMID: 29679756). Inframe deletion located in a repeat region: not predicted to disrupt normal protein function. The variant has been previously reported as assumed (i.e. paternity and maternity not confirmed) de novo in at least one similarly affected unrelated individual (PMID: 12792306, 19450438). The variant has been reported to be associated with MYH9 related disorder (ClinVar ID: VCV000014084 /PMID: 12792306). Therefore, this variant is classified as Likely pathogenic according to the recommendation of ACMG/AMP guideline.

OMIM
Classification: Pathogenic for MACROTHROMBOCYTOPENIA AND GRANULOCYTE INCLUSIONS. Last evaluated: 2009-07-01. Review status: no assertion criteria provided. Collection method: literature only. Allele origin: germline. Not counted in ClinVar's aggregate classification.

Literature cited by the submitters: PubMed 19450438 (cited by 3billion and OMIM); PubMed 12792306 (cited by 3billion and OMIM).